The following is an entry in ClinVar:

NM_006206.6(PDGFRA):c.624A>C (p.Leu208Phe)

Gene: PDGFRA (platelet derived growth factor receptor alpha; plus strand). Cytogenetic location: 4q12.
Variant type: single nucleotide variant.
Coding change: c.624A>C on transcript NM_006206.6 (MANE Select); coding-DNA position 624, A replaced by C.
Protein change: p.Leu208Phe; replaces leucine 208 with phenylalanine.
Molecular consequence: missense variant.
Genome position (GRCh38, 1-based): chr4:54,263,923, A>C. VCF-style: chr4-54263923-A-C. GRCh37 (hg19) VCF-style: chr4-55130090-A-C.
Other names: c.624A>C, p.Leu208Phe (NM_001347827.2, NM_001347829.2); c.699A>C, p.Leu233Phe (NM_001347828.2); c.663A>C, p.Leu221Phe (NM_001347830.2); short protein forms L221F, L233F, L208F.
Identifiers: ClinVar variation 3023570 (VCV003023570.1), dbSNP rs889394408, ClinGen allele CA356890225.

ClinVar aggregate classification (germline): Uncertain significance (1 of 4 stars; one submission).

Conditions:
Gastrointestinal stromal tumor. Also called: Gastrointestinal stromal tumor, somatic; Gastrointestinal stroma tumor. Identifiers: Orphanet 44890, MedGen C0238198, MeSH D046152, MONDO:0011719, OMIM 606764, HP:0100723.

Allele frequency attached by ClinVar (database versions not stated): gnomAD exomes below 0.00001; gnomAD 0.00001.
gnomAD v4.1: 2 of 1,613,526 alleles (0.00012%); highest among the groups gnomAD compares: South Asian, 0.0022%; no homozygotes.

Submission:

Labcorp Genetics (formerly Invitae), Labcorp
Classification: Uncertain significance for Gastrointestinal stromal tumor. Last evaluated: 2023-05-25. Review status: criteria provided, single submitter. Criteria: Invitae Variant Classification Sherloc (09022015). Collection method: clinical testing. Allele origin: germline.
Comment: In summary, the available evidence is currently insufficient to determine the role of this variant in disease. Therefore, it has been classified as a Variant of Uncertain Significance. Advanced modeling of protein sequence and biophysical properties (such as structural, functional, and spatial information, amino acid conservation, physicochemical variation, residue mobility, and thermodynamic stability) performed at Invitae indicates that this missense variant is not expected to disrupt PDGFRA protein function. This variant has not been reported in the literature in individuals affected with PDGFRA-related conditions. This variant is present in population databases (no rsID available, gnomAD 0.003%). This sequence change replaces leucine, which is neutral and non-polar, with phenylalanine, which is neutral and non-polar, at codon 208 of the PDGFRA protein (p.Leu208Phe).